The following is an entry in ClinVar:

ClinVar aggregate classification (germline): Uncertain significance (1 of 4 stars; one submission).

Conditions:
Koolen-de Vries syndrome (KDVS). Identifiers: Orphanet 96169, MedGen C1864871, MONDO:0012496, OMIM 610443.

Submission:

Labcorp Genetics (formerly Invitae), Labcorp
Classification: Uncertain significance for Koolen-de Vries syndrome. Last evaluated: 2025-11-06. Review status: criteria provided, single submitter. Criteria: Invitae Variant Classification Sherloc (09022015). Collection method: clinical testing. Allele origin: germline.
Comment: This sequence change replaces aspartic acid, which is acidic and polar, with glycine, which is neutral and non-polar, at codon 585 of the KANSL1 protein (p.Asp585Gly). This variant is not present in population databases (gnomAD no frequency). This variant has not been reported in the literature in individuals affected with KANSL1-related conditions. Invitae Evidence Modeling of protein sequence and biophysical properties (such as structural, functional, and spatial information, amino acid conservation, physicochemical variation, residue mobility, and thermodynamic stability) indicates that this missense variant is not expected to disrupt KANSL1 protein function with a negative predictive value of 80%. In summary, the available evidence is currently insufficient to determine the role of this variant in disease. Therefore, it has been classified as a Variant of Uncertain Significance.

NM_015443.4(KANSL1):c.1754A>G (p.Asp585Gly)

Gene: KANSL1 (KAT8 regulatory NSL complex subunit 1). Cytogenetic location: 17q21.31.
Variant type: single nucleotide variant.
Coding change: c.1754A>G on transcript NM_015443.4 (MANE Select); coding-DNA position 1754, A replaced by G.
Protein change: p.Asp585Gly; replaces aspartic acid 585 with glycine.
Molecular consequence: missense variant.
Genome position (GRCh38, 1-based): chr17:46,066,631, T>C on the plus strand (A>G on the coding strand, the complement: KANSL1 is on the minus strand). VCF-style: chr17-46066631-T-C. GRCh37 (hg19) VCF-style: chr17-44143997-T-C.
Other names: c.1754A>G, p.Asp585Gly (NM_001193465.2, NM_001193466.2, NM_001379198.1 and 14 more transcripts); c.1652A>G, p.Asp551Gly (NM_001405859.1, NM_001405860.1, NM_001405861.1 and 1 more transcripts); c.488A>G, p.Asp163Gly (NM_001405882.1, NM_001405883.1, NM_001405884.1 and 1 more transcripts); short protein forms D163G, D551G, D585G.
Identifiers: ClinVar variation 4804158 (VCV004804158.1).
Genomic context (GRCh38, chr17:46,066,631, plus strand): 5'-ACAAGCCTCCGCTTCTTACAGCTCAGTACAGGACGTGTCCGGGCTGCCACACAGGTGCCA[T>C]CAGATGATGAAGAGACGAGATTCAGTCGTTGCTTCTTATGTAATTGTTCCTCAGCATCAG-3'
Protein context (NP_056258.1, residues 575-595): QRLNLVSSSS[Asp585Gly]GTCVAARTRP